The following is an entry in ClinVar:

NM_001267550.2(TTN):c.94103_94107del (p.Ile31368fs)

Genes: TTN (titin; minus strand), TTN-AS1 (TTN antisense RNA 1; plus strand). Cytogenetic location: 2q31.2.
Variant type: Deletion.
Coding change: c.94103_94107del on transcript NM_001267550.2 (MANE Select); coding-DNA positions 94103 to 94107, 5 bases deleted (TTAAA; older notation c.94103_94107delTTAAA).
Protein change: p.Ile31368fs; shifts the reading frame from isoleucine 31368.
Molecular consequence: frameshift variant.
Genome position (GRCh38, 1-based): chr2:178,547,519-178,547,523, TTTAA deleted on the plus strand (TTAAA on the coding strand, the reverse complement: TTN is on the minus strand); deleting any 5 consecutive bases within chr2:178,547,519-178,547,526 gives the same sequence; the c. name uses the placement nearest the transcript's 3' end. VCF-style (leftmost placement, unchanged base first): chr2-178547518-CTTTAA-C. GRCh37 (hg19) VCF-style: chr2-179412245-CTTTAA-C.
Other names: p.Ile29727Serfs*34; c.89180_89184del, p.Ile29727fs (NM_001256850.1); c.66908_66912del, p.Ile22303fs (NM_003319.4); c.86399_86403del, p.Ile28800fs (NM_133378.4); c.67283_67287del, p.Ile22428fs (NM_133432.3); c.67484_67488del, p.Ile22495fs (NM_133437.4); c.66908_66912delTTAAA (NM_003319.4); c.94103_94107del (NM_001267550.1); and 1 more; short protein forms I29727fs, I22303fs, I22428fs, I28800fs, I22495fs, I31368fs.
Identifiers: ClinVar variation 202493 (VCV000202493.24), dbSNP rs769488730, ClinGen allele CA309456.
Genomic context (GRCh38, chr2:178,547,518, plus strand): 5'-CAAATCTGTTCTCTGAACTGACACGGAAAGAATATTCCATGTATTTTGTGAGATGAGTGA[CTTTAA>C]TTTGAGTGCGCTTGACACTGGAATTGACAAGCTGCCAAGCTGTTGTACCCGATTCACGCT-3'

ClinVar aggregate classification (germline): Pathogenic/Likely pathogenic. Review status: criteria provided, multiple submitters, no conflicts (2 of 4 stars). 8 submissions from 8 submitters: Pathogenic (4); Likely pathogenic (2). 2 of the submissions do not count toward it. Last evaluated 2025-12-31.

Conditions:
Cardiovascular phenotype. Identifiers: MedGen CN230736.
Dilated cardiomyopathy 1G (CMD1G). Identifiers: Orphanet 154, MedGen C1858763, MONDO:0011400, OMIM 604145.
Autosomal recessive limb-girdle muscular dystrophy type 2J (LGMDR10). Also called: MUSCULAR DYSTROPHY, LIMB-GIRDLE, AUTOSOMAL RECESSIVE 10; Limb-girdle muscular dystrophy, type 2J. Identifiers: Orphanet 140922, MedGen C1837342, MONDO:0012127, OMIM 608807.
Mitral valve prolapse. Identifiers: MedGen C0026267, MONDO:0004910, HP:0001634.

Submissions (8):

Labcorp Genetics (formerly Invitae), Labcorp
Classification: Pathogenic for Dilated cardiomyopathy 1G; Autosomal recessive limb-girdle muscular dystrophy type 2J. Last evaluated: 2025-12-31. Review status: criteria provided, single submitter. Criteria: Invitae Variant Classification Sherloc (09022015). Collection method: clinical testing. Allele origin: germline.
Comment: This sequence change creates a premature translational stop signal (p.Ile31368Serfs*34) in the TTN gene. While this is not anticipated to result in nonsense mediated decay, it is expected to create a truncated TTN protein. This variant is present in population databases (rs769488730, gnomAD 0.006%). This premature translational stop signal has been observed in individuals with dilated cardiomyopathy and/or peripartum cardiomyopathy (PMID: 22335739, 35653365, 36264615; internal data). This variant is also known as c.89180_89184delAAATT. ClinVar contains an entry for this variant (Variation ID: 202493). This variant is located in the A band of TTN (PMID: 25589632). Truncating variants in this region are significantly overrepresented in patients affected with dilated cardiomyopathy (PMID: 25589632). Truncating variants in this region have also been reported in individuals affected with autosomal recessive centronuclear myopathy (PMID: 23975875). For these reasons, this variant has been classified as Pathogenic.

GeneDx
Classification: Pathogenic. Last evaluated: 2025-05-19. Review status: criteria provided, single submitter. Criteria: GeneDx Variant Classification Process June 2021. Collection method: clinical testing. Allele origin: germline. Affected: yes.
Comment: Not observed at significant frequency in large population cohorts (gnomAD); Frameshift variant predicted to result in protein truncation or nonsense mediated decay in a gene for which loss of function is a known mechanism of disease; This variant is associated with the following publications: (PMID: 22335739, 31691645, 35653365, 36264615, 34461741, 35130036, 32778822)

Variantyx, Inc.
Classification: Likely pathogenic for Dilated cardiomyopathy 1G. Last evaluated: 2025-04-08. Review status: criteria provided, single submitter. Criteria: Variantyx Assertion Criteria 2022. Collection method: clinical testing. Allele origin: germline. Inheritance: Autosomal dominant inheritance. Affected: yes.
Comment: This is a frameshift variant in the TTN gene (OMIM: 188840). Pathogenic variants in this gene have been associated with autosomal dominant dilated cardiomyopathy 1G. This variant introduces a premature termination codon in exon 339 out of 363 and is expected to result in loss of function, which is a known disease mechanism for TTN in this disorder (PMID: 38938651) (PVS1). This variant has a 0.0025% maximum allele frequency in non-founder control populations (PM2). Based on the current evidence, this variant is classified as likely pathogenic for autosomal dominant dilated cardiomyopathy 1G.

Ambry Genetics
Classification: Pathogenic for Cardiovascular phenotype. Last evaluated: 2023-07-25. Review status: criteria provided, single submitter. Criteria: Ambry Variant Classification Scheme 2023. Collection method: clinical testing. Allele origin: germline.
Comment: The c.66908_66912delTTAAA pathogenic mutation, located in coding exon 166 of the TTN gene, results from a deletion of 5 nucleotides at nucleotide positions 66908 to 66912, causing a translational frameshift with a predicted alternate stop codon (p.I22303Sfs*34). This exon is located in the A-band region of the N2-B isoform of the titin protein and is constitutively expressed in TTN transcripts (percent spliced in or PSI 100%). This alteration has been reported, as c.89180_89184delTTAAA, in a subject with dilated cardiomyopathy (DCM) (Herman DS et al. N. Engl. J. Med., 2012 Feb;366:619-28). This alteration is expected to result in loss of function by premature protein truncation or nonsense-mediated mRNA decay. While truncating variants in TTN are present in 1-3% of the general population, truncating variants in the A-band are the most common cause of dilated cardiomyopathy (DCM) (Herman DS et al. N. Engl. J. Med., 2012 Feb;366:619-28; Roberts AM et al. Sci Transl Med, 2015 Jan;7:270ra6). TTN truncating variants encoded in constitutive exons (PSI >90%) have been found to be significantly associated with DCM regardless of their position in titin (Schafer S et al. Nat. Genet., 2017 01;49:46-53). Based on the supporting evidence, this alteration is interpreted as a disease-causing mutation.

Mayo Clinic Laboratories, Mayo Clinic
Classification: Likely pathogenic. Last evaluated: 2022-04-07. Review status: criteria provided, single submitter. Criteria: ACMG Guidelines, 2015. Collection method: clinical testing. Allele origin: germline. Observed: 1 variant allele.
Comment: PM2_supporting, PVS1

Clinical Genetics Service, Universitary Hospital 12 de Octubre
Classification: Pathogenic for Dilated cardiomyopathy 1G. Review status: criteria provided, single submitter. Criteria: ACMG Guidelines, 2015. Collection method: clinical testing. Allele origin: germline. Affected: yes.

Cardiogenetics and Myogenetics Molecular and Cellular Functional Unit, Aphp Sorbonne University-Hopital Pitie Salpetriere
Classification: Likely pathogenic for Dilated cardiomyopathy 1G. Last evaluated: 2024-01-06. Review status: no assertion criteria provided. Collection method: clinical testing. Allele origin: germline. Affected: yes. Not counted in ClinVar's aggregate classification.

Agnes Ginges Centre for Molecular Cardiology, Centenary Institute
Classification: Likely pathogenic for Mitral valve prolapse. Last evaluated: 2019-01-03. Review status: no assertion criteria provided. Collection method: research. Allele origin: germline. Inheritance: Autosomal dominant inheritance. Affected: yes. Not counted in ClinVar's aggregate classification.
Comment: This variant has been identified as part of our research program. For further information please feel free to contact us.

Literature cited by the submitters: PubMed 22335739 (cited by 4 submitters); PubMed 35653365 (cited by Labcorp Genetics (formerly Invitae), Labcorp); PubMed 36264615 (cited by Labcorp Genetics (formerly Invitae), Labcorp); PubMed 25589632 (cited by Labcorp Genetics (formerly Invitae), Labcorp); PubMed 23975875 (cited by Labcorp Genetics (formerly Invitae), Labcorp); PubMed 38938651 (cited by Variantyx, Inc.).